The following is an entry in ClinVar:

ClinVar aggregate classification (germline): Likely pathogenic. Review status: criteria provided, single submitter (1 of 4 stars). 2 submissions from 2 submitters: Likely pathogenic (1). 1 of the submissions does not count toward it. Last evaluated 2024-04-17.

Conditions:
Achromatopsia 2 (ACHM2). Also called: ROD MONOCHROMACY 2; ROD MONOCHROMATISM 2; COLORBLINDNESS, TOTAL. Identifiers: Orphanet 49382, MedGen C1857618, MONDO:0009003, OMIM 216900.

Submissions (2):

Women's Health and Genetics/Laboratory Corporation of America, LabCorp
Classification: Likely pathogenic for Achromatopsia 2. Last evaluated: 2024-04-17. Review status: criteria provided, single submitter. Criteria: LabCorp Variant Classification Summary - May 2015. Collection method: clinical testing. Allele origin: germline.
Comment: Variant summary: CNGA3 c.479T>G (p.Val160Gly) results in a non-conservative amino acid change in the encoded protein sequence. Five of five in-silico tools predict a damaging effect of the variant on protein function. The variant was absent in 251490 control chromosomes. c.479T>G has been reported in the literature in at-least two individuals affected with Achromatopsia (Solaki_2022, Reuter_2008). These data indicate that the variant may be associated with disease. At least one publication reports experimental evidence evaluating an impact on protein function. The most pronounced variant effect results in almost diminished normalized overall luminescence signal via a high throughput in vitro functional analysis (Solaki_2023). The following publications have been ascertained in the context of this evaluation (PMID: 18521937, 35332618, 37689994). ClinVar contains an entry for this variant (Variation ID: 1064484). Based on the evidence outlined above, the variant was classified as likely pathogenic.

Molecular Genetics Laboratory, Institute for Ophthalmic Research
Classification: Uncertain significance for Achromatopsia 2. Last evaluated: 2021-04-15. Review status: no assertion criteria provided. Collection method: research. Allele origin: germline. Affected: yes. Not counted in ClinVar's aggregate classification.

Literature cited by the submitters: PubMed 18521937 (cited by Women's Health and Genetics/Laboratory Corporation of America, LabCorp); PubMed 35332618 (cited by Women's Health and Genetics/Laboratory Corporation of America, LabCorp); PubMed 37689994 (cited by Women's Health and Genetics/Laboratory Corporation of America, LabCorp).

NM_001298.3(CNGA3):c.479T>G (p.Val160Gly)

Gene: CNGA3 (cyclic nucleotide gated channel subunit alpha 3; plus strand). Cytogenetic location: 2q11.2.
Variant type: single nucleotide variant.
Coding change: c.479T>G on transcript NM_001298.3 (MANE Select); coding-DNA position 479, T replaced by G.
Protein change: p.Val160Gly; replaces valine 160 with glycine.
Molecular consequence: missense variant.
Genome position (GRCh38, 1-based): chr2:98,389,687, T>G. VCF-style: chr2-98389687-T-G. GRCh37 (hg19) VCF-style: chr2-99006150-T-G.
Other names: c.425T>G, p.Val142Gly (NM_001079878.2); short protein forms V142G, V160G.
Identifiers: ClinVar variation 1064484 (VCV001064484.2), dbSNP rs201713771, ClinGen allele CA347831476.
Genomic context (GRCh38, chr2:98,389,687, plus strand): 5'-GTGCGCTGTTTGTGTATGTGTGGGTTTCCAGGAAGAAGACGAAAAAGAAGGATGCGATCG[T>G]GGTGGACCCGTCCAGCAACCTGTACTACCGCTGGCTGACCGCCATCGCCCTGCCTGTCTT-3'
Protein context (NP_001289.1, residues 150-170): EKKTKKKDAI[Val160Gly]VDPSSNLYYR